The following is an entry in ClinVar:

ClinVar aggregate classification (germline): Uncertain significance (1 of 4 stars; one submission).

Allele frequency attached by ClinVar (database versions not stated): TOPMed 0.00001.
gnomAD v4.1: 2 of 1,521,442 alleles (0.00013%); highest among the groups gnomAD compares: African/African-American, 0.0028%; no homozygotes.

Submission:

Labcorp Genetics (formerly Invitae), Labcorp
Classification: Uncertain significance. Last evaluated: 2022-01-04. Review status: criteria provided, single submitter. Criteria: Invitae Variant Classification Sherloc (09022015). Collection method: clinical testing. Allele origin: germline.
Comment: In summary, the available evidence is currently insufficient to determine the role of this variant in disease. Therefore, it has been classified as a Variant of Uncertain Significance. Algorithms developed to predict the effect of missense changes on protein structure and function output the following: SIFT: "Deleterious"; PolyPhen-2: "Benign"; Align-GVGD: "Class C65". The arginine amino acid residue is found in multiple mammalian species, which suggests that this missense change does not adversely affect protein function. This variant has not been reported in the literature in individuals affected with CAMK2B-related conditions. This variant is not present in population databases (gnomAD no frequency). This sequence change replaces serine, which is neutral and polar, with arginine, which is basic and polar, at codon 441 of the CAMK2B protein (p.Ser441Arg).

NM_001220.5(CAMK2B):c.1323C>A (p.Ser441Arg)

Gene: CAMK2B (calcium/calmodulin dependent protein kinase II beta; minus strand). Cytogenetic location: 7p13.
Variant type: single nucleotide variant.
Coding change: c.1323C>A on transcript NM_001220.5 (MANE Select); coding-DNA position 1323, C replaced by A.
Protein change: p.Ser441Arg; replaces serine 441 with arginine.
Molecular consequence: missense variant. On other transcripts: intron variant (8).
Genome position (GRCh38, 1-based): chr7:44,229,404, G>T on the plus strand (C>A on the coding strand, the complement: CAMK2B is on the minus strand). VCF-style: chr7-44229404-G-T. GRCh37 (hg19) VCF-style: chr7-44269003-G-T.
Other names: c.947-8503C>A (NM_172084.3); c.1150+1602C>A (NM_172080.3); c.1036+1602C>A (NM_172083.3); c.1108+1602C>A (NM_172081.3); c.1153+1602C>A (NM_172079.3, NM_172082.3); c.1225+1602C>A (NM_001293170.2, NM_172078.3); short protein forms S441R.
Identifiers: ClinVar variation 2074451 (VCV002074451.4), dbSNP rs972983607, ClinGen allele CA157918208.
Genomic context (GRCh38, chr7:44,229,404, plus strand): 5'-CCCTCCAACATGACCCCCACAGCAGCAGGACCCAGGCTACTTACATGGGGCTGGCAGGGG[G>T]CTAAAGGGAGCCGGAGATGGGCAGGGCAGGGGCCCCTCGGCTTCTGGGGCTCCCGAGCCC-3'
Protein context (NP_001211.3, residues 431-451): PLPCPSPAPF[Ser441Arg]PLPAPSPRIS